The following is an entry in ClinVar:

NM_000548.5(TSC2):c.4469A>G (p.Glu1490Gly)

Gene: TSC2 (TSC complex subunit 2; plus strand). Cytogenetic location: 16p13.3.
Variant type: single nucleotide variant.
Coding change: c.4469A>G on transcript NM_000548.5 (MANE Select); coding-DNA position 4469, A replaced by G.
Protein change: p.Glu1490Gly; replaces glutamic acid 1490 with glycine.
Molecular consequence: missense variant.
Genome position (GRCh38, 1-based): chr16:2,084,691, A>G. VCF-style: chr16-2084691-A-G. GRCh37 (hg19) VCF-style: chr16-2134692-A-G.
Other names: c.4469A>G (NM_000548.4); c.4268A>G, p.Glu1423Gly (NM_001077183.3); c.4400A>G, p.Glu1467Gly (NM_001114382.3); c.4160A>G, p.Glu1387Gly (NM_001318827.2); c.4124A>G, p.Glu1375Gly (NM_001318829.2); c.3737A>G, p.Glu1246Gly (NM_001318831.2); c.4301A>G, p.Glu1434Gly (NM_001318832.2); c.4271A>G, p.Glu1424Gly (NM_001363528.2); and 2 more; short protein forms E1490G, E1423G, E1447G, E1467G, E1375G, E1387G, E1446G, E1246G.
Identifiers: ClinVar variation 238051 (VCV000238051.31), dbSNP rs759882146, ClinGen allele CA051259.

ClinVar aggregate classification (germline): Benign/Likely benign. Review status: criteria provided, multiple submitters, no conflicts (2 of 4 stars). 9 submissions from 9 submitters: Benign (3); Likely benign (5). 1 of the submissions does not count toward it. Last evaluated 2026-02-03.

Conditions:
Ovarian cancer. Also called: OVARIAN CANCER, SOMATIC. Identifiers: Orphanet 213500, MedGen C1140680, MONDO:0008170, OMIM 167000.
Hereditary cancer-predisposing syndrome. Also called: Neoplastic Syndromes, Hereditary; Hereditary Cancer Syndrome; Tumor predisposition; Hereditary neoplastic syndrome. Identifiers: Orphanet 140162, MedGen C0027672, MeSH D009386, MONDO:0015356.
Tuberous sclerosis syndrome (TSC). Also called: Tuberous Sclerosis Complex; Tuberous sclerosis. Identifiers: Orphanet 805, MedGen C0041341, MONDO:0001734.
Tuberous sclerosis 2 (TSC2). Identifiers: Orphanet 805, MedGen C1860707, MONDO:0013199, OMIM 613254.

Allele frequency attached by ClinVar (database versions not stated): gnomAD exomes 0.00003 and 0.00019; gnomAD 0.00005; TOPMed 0.00008; ExAC 0.00015.
gnomAD v4.1: 50 of 1,598,262 alleles (0.0031%); highest among the groups gnomAD compares: East Asian, 0.11%; no homozygotes.

Submissions (9):

Labcorp Genetics (formerly Invitae), Labcorp
Classification: Benign for Tuberous sclerosis 2. Last evaluated: 2026-02-03. Review status: criteria provided, single submitter. Criteria: Invitae Variant Classification Sherloc (09022015). Collection method: clinical testing. Allele origin: germline.

Women's Health and Genetics/Laboratory Corporation of America, LabCorp
Classification: Likely benign. Last evaluated: 2025-11-05. Review status: criteria provided, single submitter. Criteria: LabCorp Variant Classification Summary - May 2015. Collection method: clinical testing. Allele origin: germline.
Comment: Variant summary: TSC2 c.4469A>G (p.Glu1490Gly) results in a non-conservative amino acid change in the encoded protein sequence. Algorithms developed to predict the effect of missense changes on protein structure and function all suggest that this variant is likely to be disruptive. The variant allele was found at a frequency of 0.00019 in 237262 control chromosomes, predominantly at a frequency of 0.0025 within the East Asian subpopulation in the gnomAD database. The observed variant frequency within East Asian control individuals in the gnomAD database exceeds the estimated maximal expected allele frequency for disease-causing variants in TSC2. c.4469A>G has been observed in individuals of East Asian ancestry affected with Tuberous Sclerosis Complex, without strong evidence for causality and including one individual who also harbored a pathogenic variant (Meng_2021, Chen_2025). These reports do not provide unequivocal conclusions about association of the variant with Tuberous Sclerosis Complex. To our knowledge, no experimental evidence demonstrating an impact on protein function has been reported. The following publications have been ascertained in the context of this evaluation (PMID: 40376498, 32917966). ClinVar contains an entry for this variant (Variation ID: 238051). Based on the evidence outlined above, the variant was classified as likely benign.

Myriad Genetics, Inc.
Classification: Likely benign for Tuberous sclerosis 2. Last evaluated: 2024-08-20. Review status: criteria provided, single submitter. Criteria: Myriad Autosomal Dominant, Autosomal Recessive and X-Linked Classification Criteria (2023). Collection method: clinical testing. Allele origin: unknown.
Comment: This variant is considered likely benign. This variant has been observed at a population frequency that is significantly greater than expected given the associated disease prevalence and penetrance.

Blueprint Genetics
Classification: Likely benign. Last evaluated: 2024-08-09. Review status: criteria provided, single submitter. Criteria: ACMG Guidelines, 2015. Collection method: clinical testing. Allele origin: germline.

Color Diagnostics, LLC DBA Color Health
Classification: Benign for Tuberous sclerosis syndrome. Last evaluated: 2022-09-30. Review status: criteria provided, single submitter. Criteria: ACMG Guidelines, 2015. Collection method: clinical testing. Allele origin: germline.

Sema4
Classification: Likely benign for Hereditary cancer-predisposing syndrome. Last evaluated: 2021-11-15. Review status: criteria provided, single submitter. Criteria: Sema4 Curation Guidelines. Collection method: curation. Allele origin: germline.

Genome-Nilou Lab
Classification: Benign for Tuberous sclerosis 2. Last evaluated: 2021-11-07. Review status: criteria provided, single submitter. Criteria: ACMG Guidelines, 2015. Collection method: clinical testing. Allele origin: germline. Affected: no.

Ambry Genetics
Classification: Likely benign for Hereditary cancer-predisposing syndrome. Last evaluated: 2018-07-10. Review status: criteria provided, single submitter. Criteria: Ambry Variant Classification Scheme 2023. Collection method: clinical testing. Allele origin: germline.

Laboratory of Molecular Epidemiology of Birth Defects, West China Second University Hospital, Sichuan University
Classification: Likely pathogenic for Ovarian cancer. Last evaluated: 2022-01-01. Review status: flagged submission. Criteria: ACMG Guidelines, 2015. Collection method: clinical testing. Allele origin: germline. Affected: yes. Not counted in ClinVar's aggregate classification.
ClinVar note: Reason: Outlier claim with insufficient supporting evidence

Literature cited by the submitters: PubMed 32917966 (cited by Women's Health and Genetics/Laboratory Corporation of America, LabCorp); PubMed 40376498 (cited by Women's Health and Genetics/Laboratory Corporation of America, LabCorp).